The following is an entry in ClinVar:

ClinVar aggregate classification (germline): Uncertain significance (1 of 4 stars; one submission).

Conditions:
Hereditary cancer-predisposing syndrome. Also called: Neoplastic Syndromes, Hereditary; Tumor predisposition; Hereditary neoplastic syndrome; Hereditary Cancer Syndrome. Identifiers: Orphanet 140162, MedGen C0027672, MeSH D009386, MONDO:0015356.

Submission:

Ambry Genetics
Classification: Uncertain significance for Hereditary cancer-predisposing syndrome. Last evaluated: 2023-12-08. Review status: criteria provided, single submitter. Criteria: Ambry Variant Classification Scheme 2023. Collection method: clinical testing. Allele origin: germline.
Comment: The p.K592M variant (also known as c.1775A>T), located in coding exon 10 of the DICER1 gene, results from an A to T substitution at nucleotide position 1775. The lysine at codon 592 is replaced by methionine, an amino acid with similar properties. This amino acid position is conserved. In addition, the in silico prediction for this alteration is inconclusive. Since supporting evidence is limited at this time, the clinical significance of this alteration remains unclear.

NM_177438.3(DICER1):c.1775A>T (p.Lys592Met)

Gene: DICER1 (dicer 1, ribonuclease III; minus strand). Cytogenetic location: 14q32.13.
Variant type: single nucleotide variant.
Coding change: c.1775A>T on transcript NM_177438.3 (MANE Select); coding-DNA position 1775, A replaced by T.
Protein change: p.Lys592Met; replaces lysine 592 with methionine.
Molecular consequence: missense variant. On other transcripts: non-coding transcript variant (6).
Genome position (GRCh38, 1-based): chr14:95,115,799, T>A on the plus strand (A>T on the coding strand, the complement: DICER1 is on the minus strand). VCF-style: chr14-95115799-T-A. GRCh37 (hg19) VCF-style: chr14-95582136-T-A.
Other names: c.1775A>T, p.Lys592Met (NM_001195573.1, NM_001271282.3, NM_001291628.2 and 13 more transcripts); c.1493A>T, p.Lys498Met (NM_001395686.1); c.1370A>T, p.Lys457Met (NM_001395687.1, NM_001395688.1, NM_001395689.1 and 3 more transcripts); c.1208A>T, p.Lys403Met (NM_001395691.1); c.92A>T, p.Lys31Met (NM_001395697.1); short protein forms K31M, K403M, K457M, K498M, K592M.
Identifiers: ClinVar variation 3229319 (VCV003229319.1), dbSNP rs1892396567, ClinGen allele CA390884155.